The following is an entry in ClinVar:

NM_001145358.2(SIN3A):c.805C>T (p.Leu269Phe)

Gene: SIN3A (SIN3 transcription regulator family member A; minus strand). Cytogenetic location: 15q24.2.
Variant type: single nucleotide variant.
Coding change: c.805C>T on transcript NM_001145358.2 (MANE Select); coding-DNA position 805, C replaced by T.
Protein change: p.Leu269Phe; replaces leucine 269 with phenylalanine.
Molecular consequence: missense variant.
Genome position (GRCh38, 1-based): chr15:75,411,695, G>A on the plus strand (C>T on the coding strand, the complement: SIN3A is on the minus strand). VCF-style: chr15-75411695-G-A. GRCh37 (hg19) VCF-style: chr15-75704036-G-A.
Other names: c.805C>T, p.Leu269Phe (NM_001145357.2, NM_001437462.1, NM_001437463.1 and 1 more transcripts); short protein forms L269F.
Identifiers: ClinVar variation 5008071 (VCV005008071.1).

ClinVar aggregate classification (germline): Uncertain significance (1 of 4 stars; one submission).

gnomAD v4.1: 1 of 1,613,102 alleles (0.000062%); no homozygotes.

Submission:

GeneDx
Classification: Uncertain significance. Last evaluated: 2026-02-25. Review status: criteria provided, single submitter. Criteria: GeneDx Variant Classification Process June 2021. Collection method: clinical testing. Allele origin: germline.
Comment: Not observed at significant frequency in large population cohorts (gnomAD); In silico analysis suggests that this missense variant does not alter protein structure/function; Has not been previously published as pathogenic or benign to our knowledge